The following is an entry in ClinVar:

NM_001110556.2(FLNA):c.2566-2A>G

Gene: FLNA (filamin A; minus strand). Cytogenetic location: Xq28.
Variant type: single nucleotide variant.
Coding change: c.2566-2A>G on transcript NM_001110556.2 (MANE Select); the canonical splice acceptor site of the intron before coding-DNA position 2566, A replaced by G.
Molecular consequence: splice acceptor variant.
Genome position (GRCh38, 1-based): chrX:154,362,334, T>C on the plus strand (A>G on the coding strand, the complement: FLNA is on the minus strand). VCF-style: chrX-154362334-T-C. GRCh37 (hg19) VCF-style: chrX-153590702-T-C.
Other names: c.2566-2A>G (NM_001456.4).
Identifiers: ClinVar variation 423693 (VCV000423693.2), dbSNP rs1064796581, ClinGen allele CA16621253.
Genomic context (GRCh38, chrX:154,362,334, plus strand): 5'-ACCTTACTGGCGTCATGAGAGGGCTCCACCTTGACTCGGATGGGGCTGGTGGGCGTGGCC[T>C]GCAGGCAGTGGGAGGAGAAGGCCTTAGAGGAGGGCAGACGTCATCCGCAATGACATCTTA-3'

ClinVar aggregate classification (germline): Pathogenic (1 of 4 stars; one submission).

Submission:

GeneDx
Classification: Pathogenic. Last evaluated: 2017-02-27. Review status: criteria provided, single submitter. Criteria: GeneDx Variant Classification (06012015). Collection method: clinical testing. Allele origin: germline. Affected: yes.
Comment: The c.2566-2 A>G splice site variant in the FLNA gene destroys the canonical splice acceptor site in intron 17. It is predicted to cause abnormal gene splicing, either leading to an abnormal message that is subject to nonsense-mediated mRNA decay, or to an abnormal protein product if the message is used for protein translation. The c.2566-2 A>G variant is not observed in large population cohorts (Lek et al., 2016; 1000 Genomes Consortium et al., 2015; Exome Variant Server).